The following is an entry in ClinVar:

ClinVar aggregate classification (germline): Uncertain significance (1 of 4 stars; one submission).

Submission:

GeneDx
Classification: Uncertain significance. Last evaluated: 2022-03-14. Review status: criteria provided, single submitter. Criteria: GeneDx Variant Classification Process June 2021. Collection method: clinical testing. Allele origin: germline. Affected: yes.
Comment: Not observed at significant frequency in large population cohorts (gnomAD); In silico analysis supports that this missense variant does not alter protein structure/function; Has not been previously published as pathogenic or benign to our knowledge

NM_001354604.2(MITF):c.1167G>T (p.Leu389Phe)

Gene: MITF (melanocyte inducing transcription factor; plus strand). Cytogenetic location: 3p13.
Variant type: single nucleotide variant.
Coding change: c.1167G>T on transcript NM_001354604.2 (MANE Select); coding-DNA position 1167, G replaced by T.
Protein change: p.Leu389Phe; replaces leucine 389 with phenylalanine.
Molecular consequence: missense variant.
Genome position (GRCh38, 1-based): chr3:69,959,408, G>T. VCF-style: chr3-69959408-G-T. GRCh37 (hg19) VCF-style: chr3-70008559-G-T.
Other names: c.846G>T, p.Leu282Phe (NM_000248.4); c.993G>T, p.Leu331Phe (NM_001184967.2, NM_001354608.2); c.1164G>T, p.Leu388Phe (NM_001354605.2); c.1146G>T, p.Leu382Phe (NM_001354606.2, NM_006722.3); c.1098G>T, p.Leu366Phe (NM_001354607.2); c.828G>T, p.Leu276Phe (NM_198158.3); c.1149G>T, p.Leu383Phe (NM_198159.3); c.1101G>T, p.Leu367Phe (NM_198177.3); and 1 more; short protein forms L220F, L276F, L282F, L331F, L366F, L367F, L382F, L383F.
Identifiers: ClinVar variation 1706411 (VCV001706411.2), dbSNP rs2066485693, ClinGen allele CA353562163.